The following is an entry in ClinVar:

ClinVar aggregate classification (germline): Uncertain significance (1 of 4 stars; one submission).

Allele frequency attached by ClinVar (database versions not stated): ExAC 0.00001; gnomAD exomes 0.00001.
gnomAD v4.1: 4 of 1,613,116 alleles (0.00025%); highest among the groups gnomAD compares: Admixed American, 0.0033%; no homozygotes.

Submission:

Labcorp Genetics (formerly Invitae), Labcorp
Classification: Uncertain significance. Last evaluated: 2022-08-09. Review status: criteria provided, single submitter. Criteria: Invitae Variant Classification Sherloc (09022015). Collection method: clinical testing. Allele origin: germline.
Comment: This variant has not been reported in the literature in individuals affected with XYLT2-related conditions. In summary, the available evidence is currently insufficient to determine the role of this variant in disease. Therefore, it has been classified as a Variant of Uncertain Significance. Algorithms developed to predict the effect of missense changes on protein structure and function (SIFT, PolyPhen-2, Align-GVGD) all suggest that this variant is likely to be disruptive. ClinVar contains an entry for this variant (Variation ID: 1476409). This variant is present in population databases (rs770789907, gnomAD 0.003%). This sequence change replaces proline, which is neutral and non-polar, with arginine, which is basic and polar, at codon 849 of the XYLT2 protein (p.Pro849Arg).

NM_022167.4(XYLT2):c.2546C>G (p.Pro849Arg)

Gene: XYLT2 (xylosyltransferase 2; plus strand). Cytogenetic location: 17q21.33.
Variant type: single nucleotide variant.
Coding change: c.2546C>G on transcript NM_022167.4 (MANE Select); coding-DNA position 2546, C replaced by G.
Protein change: p.Pro849Arg; replaces proline 849 with arginine.
Molecular consequence: missense variant.
Genome position (GRCh38, 1-based): chr17:50,360,239, C>G. VCF-style: chr17-50360239-C-G. GRCh37 (hg19) VCF-style: chr17-48437600-C-G.
Other names: short protein forms P849R.
Identifiers: ClinVar variation 1476409 (VCV001476409.6), dbSNP rs770789907, ClinGen allele CA8646752.